The following is an entry in ClinVar:

ClinVar aggregate classification (germline): Benign/Likely benign. Review status: criteria provided, multiple submitters, no conflicts (2 of 4 stars). 18 submissions from 18 submitters: Benign (13); Likely benign (3). 2 of the submissions do not count toward it. Last evaluated 2026-09-01.

Conditions:
Cardiovascular phenotype. Identifiers: MedGen CN230736.
Sick sinus syndrome 2, autosomal dominant (SSS2). Also called: SINUS BRADYCARDIA SYNDROME, FAMILIAL, AUTOSOMAL DOMINANT; SINUS NODE DISEASE, FAMILIAL, AUTOSOMAL DOMINANT; ATRIAL FIBRILLATION WITH BRADYARRHYTHMIA; SICK SINUS SYNDROME 2; SICK SINUS SYNDROME 2 WITH OR WITHOUT CARDIAC NONCOMPACTION AND/OR ASCENDING AORTA DILATION. Identifiers: Orphanet 166282, MedGen C1834144, MONDO:0008102, OMIM 163800.
Epilepsy, idiopathic generalized, susceptibility to, 18. Identifiers: MedGen C5561983, MONDO:0030434, OMIM 619521.
Brugada syndrome 8 (BRGDA8). Identifiers: Orphanet 130, MedGen C2751083, MONDO:0013148, OMIM 613123.
Cardiomyopathy (CMYO). Also called: Cardiomyopathies. Identifiers: Orphanet 167848, MedGen C0878544, MONDO:0004994, HP:0001638. Inheritance: Various modes of inheritance.

Allele frequency attached by ClinVar (database versions not stated): 1000 Genomes Project 0.00819; gnomAD exomes 0.01163 and 0.01354; gnomAD 0.00983 and 0.00996; ESP Exome Variant Server 0.01062; TOPMed 0.01084; 1000 Genomes Project 30x 0.00796; ExAC 0.02475.

Submissions (18):

CeGaT Center for Human Genetics Tuebingen
Classification: Benign. Last evaluated: 2026-09-01. Review status: criteria provided, single submitter. Criteria: CeGaT Center For Human Genetics Tuebingen Variant Classification Criteria Version 2. Collection method: clinical testing. Allele origin: germline. Affected: yes. Observed: 19 variant alleles.
Comment: HCN4: BS1, BS2

Labcorp Genetics (formerly Invitae), Labcorp
Classification: Benign for Brugada syndrome 8. Last evaluated: 2026-02-04. Review status: criteria provided, single submitter. Criteria: Invitae Variant Classification Sherloc (09022015). Collection method: clinical testing. Allele origin: germline.

ARUP Laboratories, Molecular Genetics and Genomics, ARUP Laboratories
Classification: Benign. Last evaluated: 2025-06-25. Review status: criteria provided, single submitter. Criteria: ARUP Molecular Germline Variant Investigation Process 2024. Collection method: clinical testing. Allele origin: germline.

Molecular Diagnostic Laboratory for Inherited Cardiovascular Disease, Montreal Heart Institute
Classification: Likely benign. Last evaluated: 2025-04-09. Review status: criteria provided, single submitter. Criteria: ACMG Guidelines, 2015. Collection method: clinical testing. Allele origin: germline. Affected: no.

Blueprint Genetics
Classification: Likely benign. Last evaluated: 2024-11-27. Review status: criteria provided, single submitter. Criteria: ACMG Guidelines, 2015. Collection method: clinical testing. Allele origin: germline.

Mayo Clinic Laboratories, Mayo Clinic
Classification: Benign. Last evaluated: 2023-04-14. Review status: criteria provided, single submitter. Criteria: ACMG Guidelines, 2015. Collection method: clinical testing. Allele origin: germline. Observed: 22 variant alleles.
Comment: BS1, BS2

Women's Health and Genetics/Laboratory Corporation of America, LabCorp
Classification: Likely benign. Last evaluated: 2023-04-10. Review status: criteria provided, single submitter. Criteria: LabCorp Variant Classification Summary - May 2015. Collection method: clinical testing. Allele origin: germline.

Fulgent Genetics
Classification: Benign for Sick sinus syndrome 2, autosomal dominant; Brugada syndrome 8; Epilepsy, idiopathic generalized, susceptibility to, 18. Last evaluated: 2021-08-13. Review status: criteria provided, single submitter. Criteria: ACMG Guidelines, 2015. Collection method: clinical testing. Allele origin: unknown.

Illumina Laboratory Services, Illumina
Classification: Benign for Sick sinus syndrome 2, autosomal dominant. Last evaluated: 2018-01-12. Review status: criteria provided, single submitter. Criteria: ICSL Variant Classification Criteria 13 December 2019. Collection method: clinical testing. Allele origin: germline.
Comment: This variant was observed in the ICSL laboratory as part of a predisposition screen in an ostensibly healthy population. It had not been previously curated by ICSL or reported in the Human Gene Mutation Database (HGMD: prior to June 1st, 2018), and was therefore a candidate for classification through an automated scoring system. Utilizing variant allele frequency, disease prevalence and penetrance estimates, and inheritance mode, an automated score was calculated to assess if this variant is too frequent to cause the disease. Based on the score and internal cut-off values, a variant classified as benign is not then subjected to further curation. The score for this variant resulted in a classification of benign for this disease.

Center for Advanced Laboratory Medicine, UC San Diego Health, University of California San Diego
Classification: Benign for Cardiomyopathy. Last evaluated: 2017-09-08. Review status: criteria provided, single submitter. Criteria: ACMG Guidelines, 2015. Collection method: clinical testing. Allele origin: germline. Affected: yes. Observed: 1 variant allele.

Athena Diagnostics
Classification: Benign. Last evaluated: 2017-06-29. Review status: criteria provided, single submitter. Criteria: Athena Diagnostics Criteria. Collection method: clinical testing. Allele origin: germline.

Eurofins Ntd Llc (ga)
Classification: Benign. Last evaluated: 2016-01-26. Review status: criteria provided, single submitter. Criteria: EGL Classification Definitions 2015. Collection method: clinical testing. Allele origin: germline. Observed: 3 variant alleles, 3 heterozygotes.

Ambry Genetics
Classification: Benign for Cardiovascular phenotype. Last evaluated: 2015-08-17. Review status: criteria provided, single submitter. Criteria: Ambry Variant Classification Scheme 2023. Collection method: clinical testing. Allele origin: germline.

GeneDx
Classification: Benign. Last evaluated: 2014-02-19. Review status: criteria provided, single submitter. Criteria: GeneDx Variant Classification (06012015). Collection method: clinical testing. Allele origin: germline. Affected: yes.
Comment: This variant is considered likely benign or benign based on one or more of the following criteria: it is a conservative change, it occurs at a poorly conserved position in the protein, it is predicted to be benign by multiple in silico algorithms, and/or has population frequency not consistent with disease.

Breakthrough Genomics
Classification: Benign. Review status: criteria provided, single submitter. Criteria: ACMG Guidelines, 2015. Collection method: not provided. Allele origin: germline. Inheritance: Autosomal dominant inheritance. Affected: yes.

PreventionGenetics, part of Exact Sciences
Classification: Benign. Review status: criteria provided, single submitter. Criteria: ACMG Guidelines, 2015. Collection method: clinical testing. Allele origin: germline.

Clinical Genetics, Academic Medical Center
Classification: Benign. Review status: no assertion criteria provided. Collection method: clinical testing. Allele origin: germline. Affected: yes. Study: VKGL Data-share Consensus. Not counted in ClinVar's aggregate classification.

Joint Genome Diagnostic Labs from Nijmegen and Maastricht, Radboudumc and MUMC+
Classification: Benign. Review status: no assertion criteria provided. Collection method: clinical testing. Allele origin: germline. Affected: yes. Study: VKGL Data-share Consensus. Not counted in ClinVar's aggregate classification.

Literature cited by the submitters: PubMed 27182706 (cited by Athena Diagnostics); PubMed 23623143 (cited by Athena Diagnostics).

NM_005477.3(HCN4):c.3337A>G (p.Met1113Val)

Gene: HCN4 (hyperpolarization activated cyclic nucleotide gated potassium channel 4; minus strand). Cytogenetic location: 15q24.1.
Variant type: single nucleotide variant.
Coding change: c.3337A>G on transcript NM_005477.3 (MANE Select); coding-DNA position 3337, A replaced by G.
Protein change: p.Met1113Val; replaces methionine 1113 with valine.
Molecular consequence: missense variant.
Genome position (GRCh38, 1-based): chr15:73,322,756, T>C on the plus strand (A>G on the coding strand, the complement: HCN4 is on the minus strand). VCF-style: chr15-73322756-T-C. GRCh37 (hg19) VCF-style: chr15-73615097-T-C.
Other names: p.M1113V:ATG>GTG; short protein forms M1113V.
Identifiers: ClinVar variation 137543 (VCV000137543.59), dbSNP rs142735148, ClinGen allele CA180105.